The following is an entry in ClinVar:

ClinVar aggregate classification (germline): Uncertain significance (1 of 4 stars; one submission).

gnomAD v4.1: 3 of 1,614,050 alleles (0.00019%); highest among the groups gnomAD compares: Non-Finnish European, 0.00025%; no homozygotes.

Submission:

Ambry Genetics
Classification: Uncertain significance. Last evaluated: 2025-09-01. Review status: criteria provided, single submitter. Criteria: Ambry Variant Classification Scheme 2023. Collection method: clinical testing. Allele origin: germline.
Comment: The p.K288N variant (also known as c.864G>C), located in coding exon 7 of the RINT1 gene, results from a G to C substitution at nucleotide position 864. The lysine at codon 288 is replaced by asparagine, an amino acid with similar properties. This amino acid position is conserved. In addition, this alteration is predicted to be tolerated by in silico analysis. Based on the available evidence, the clinical significance of this variant remains unclear.

NM_021930.6(RINT1):c.864G>C (p.Lys288Asn)

Gene: RINT1 (RAD50 interactor 1; plus strand). Cytogenetic location: 7q22.3.
Variant type: single nucleotide variant.
Coding change: c.864G>C on transcript NM_021930.6 (MANE Select); coding-DNA position 864, G replaced by C.
Protein change: p.Lys288Asn; replaces lysine 288 with asparagine.
Molecular consequence: missense variant. On other transcripts: 5 prime UTR variant (2), non-coding transcript variant (1), intron variant (1).
Genome position (GRCh38, 1-based): chr7:105,548,578, G>C. VCF-style: chr7-105548578-G-C. GRCh37 (hg19) VCF-style: chr7-105189025-G-C.
Other names: c.630G>C, p.Lys210Asn (NM_001346599.2); c.-156G>C (NM_001346600.2); c.-61G>C (NM_001346601.2); c.-27-1477G>C (NM_001346603.2); short protein forms K288N, K210N.
Identifiers: ClinVar variation 4154630 (VCV004154630.1).